The following is an entry in ClinVar:

ClinVar aggregate classification (germline): Uncertain significance. Review status: criteria provided, multiple submitters, no conflicts (2 of 4 stars). 3 submissions from 3 submitters: Uncertain significance (3). Last evaluated 2025-04-21.

Conditions:
Familial adenomatous polyposis 1 (FAP1). Also called: FAMILIAL ADENOMATOUS POLYPOSIS 1, ATTENUATED; POLYPOSIS, ADENOMATOUS INTESTINAL. Identifiers: MedGen C2713442, MONDO:0021056, OMIM 175100. Disease mechanism: loss of function.
Hereditary cancer-predisposing syndrome. Also called: Neoplastic Syndromes, Hereditary; Tumor predisposition; Hereditary Cancer Syndrome; Hereditary neoplastic syndrome. Identifiers: Orphanet 140162, MedGen C0027672, MeSH D009386, MONDO:0015356.

Allele frequency attached by ClinVar (database versions not stated): TOPMed 0.00001.

Submissions (3):

Women's Health and Genetics/Laboratory Corporation of America, LabCorp
Classification: Uncertain significance. Last evaluated: 2025-04-21. Review status: criteria provided, single submitter. Criteria: LabCorp Variant Classification Summary - May 2015. Collection method: clinical testing. Allele origin: germline.

Labcorp Genetics (formerly Invitae), Labcorp
Classification: Uncertain significance for Familial adenomatous polyposis 1. Last evaluated: 2024-03-01. Review status: criteria provided, single submitter. Criteria: Invitae Variant Classification Sherloc (09022015). Collection method: clinical testing. Allele origin: germline.
Comment: This sequence change replaces serine, which is neutral and polar, with asparagine, which is neutral and polar, at codon 2710 of the APC protein (p.Ser2710Asn). This variant is not present in population databases (gnomAD no frequency). This variant has not been reported in the literature in individuals affected with APC-related conditions. ClinVar contains an entry for this variant (Variation ID: 482245). Advanced modeling of protein sequence and biophysical properties (such as structural, functional, and spatial information, amino acid conservation, physicochemical variation, residue mobility, and thermodynamic stability) performed at Invitae indicates that this missense variant is not expected to disrupt APC protein function with a negative predictive value of 95%. In summary, the available evidence is currently insufficient to determine the role of this variant in disease. Therefore, it has been classified as a Variant of Uncertain Significance.

Ambry Genetics
Classification: Uncertain significance for Hereditary cancer-predisposing syndrome. Last evaluated: 2022-10-13. Review status: criteria provided, single submitter. Criteria: Ambry Variant Classification Scheme 2023. Collection method: clinical testing. Allele origin: germline.
Comment: The p.S2710N variant (also known as c.8129G>A), located in coding exon 15 of the APC gene, results from a G to A substitution at nucleotide position 8129. The serine at codon 2710 is replaced by asparagine, an amino acid with highly similar properties. This amino acid position is not well conserved in available vertebrate species. In addition, in silico predictors for this gene do not accurately predict pathogenicity. Since supporting evidence is limited at this time, the clinical significance of this alteration remains unclear.

NM_000038.6(APC):c.8129G>A (p.Ser2710Asn)

Gene: APC (APC regulator of Wnt signaling pathway; plus strand). Cytogenetic location: 5q22.2.
Variant type: single nucleotide variant.
Coding change: c.8129G>A on transcript NM_000038.6 (MANE Select); coding-DNA position 8129, G replaced by A.
Protein change: p.Ser2710Asn; replaces serine 2710 with asparagine.
Molecular consequence: missense variant.
Genome position (GRCh38, 1-based): chr5:112,843,723, G>A. VCF-style: chr5-112843723-G-A. GRCh37 (hg19) VCF-style: chr5-112179420-G-A.
Other names: c.8129G>A, p.Ser2710Asn (NM_001127510.3, NM_001354895.2); c.8075G>A, p.Ser2692Asn (NM_001127511.3); c.8183G>A, p.Ser2728Asn (NM_001354896.2); c.8159G>A, p.Ser2720Asn (NM_001354897.2); c.8054G>A, p.Ser2685Asn (NM_001354898.2); c.8045G>A, p.Ser2682Asn (NM_001354899.2); c.8006G>A, p.Ser2669Asn (NM_001354900.2); c.7952G>A, p.Ser2651Asn (NM_001354901.2); and 5 more; short protein forms S2710N, S2692N, S2427N, S2619N, S2651N, S2609N, S2550N, S2728N.
Identifiers: ClinVar variation 482245 (VCV000482245.18), dbSNP rs1228158522, ClinGen allele CA16038988.
Genomic context (GRCh38, chr5:112,843,723, plus strand): 5'-CAAATCCAAACATTAAAGATTCAAAAGATAATCAGGCAAAACAAAATGTGGGTAATGGCA[G>A]TGTTCCCATGCGTACCGTGGGTTTGGAAAATCGCCTGAACTCCTTTATTCAGGTGGATGC-3'
Protein context (NP_000029.2, residues 2700-2720): NQAKQNVGNG[Ser2710Asn]VPMRTVGLEN